The following is an entry in ClinVar:

ClinVar aggregate classification (germline): Conflicting classifications of pathogenicity. Review status: criteria provided, conflicting classifications (1 of 4 stars). 4 submissions from 4 submitters: Uncertain significance (3); Likely benign (1). Last evaluated 2026-07-29.

Conditions:
TTN-related disorder. Also called: TTN-related disorders; TTN-related condition; TTN-related disease.

Allele frequency attached by ClinVar (database versions not stated): TOPMed 0.00013.
gnomAD v4.1: 41 of 1,613,060 alleles (0.0025%); highest among the groups gnomAD compares: African/African-American, 0.02%; 1 homozygote.

Submissions (4):

PreventionGenetics, part of Exact Sciences
Classification: Uncertain significance for TTN-related condition. Last evaluated: 2026-07-29. Review status: criteria provided, single submitter. Criteria: ACMG Guidelines, 2015. Collection method: clinical testing. Allele origin: germline.
Comment: The TTN c.53150G>A variant is predicted to result in the amino acid substitution p.Arg17717His. To our knowledge, this variant has not been reported in the literature. This variant is reported in 0.025% of alleles in individuals of African descent in gnomAD. At this time, the clinical significance of this variant is uncertain due to the absence of conclusive functional and genetic evidence.

CeGaT Center for Human Genetics Tuebingen
Classification: Uncertain significance. Last evaluated: 2025-02-01. Review status: criteria provided, single submitter. Criteria: CeGaT Center For Human Genetics Tuebingen Variant Classification Criteria Version 2. Collection method: clinical testing. Allele origin: germline. Affected: yes. Observed: 1 variant allele.
Comment: TTN: PM2, BP4

Revvity Omics, Revvity
Classification: Uncertain significance. Last evaluated: 2022-12-01. Review status: criteria provided, single submitter. Criteria: ACMG Guidelines, 2015. Collection method: clinical testing. Allele origin: germline.

GeneDx
Classification: Likely benign. Last evaluated: 2018-03-29. Review status: criteria provided, single submitter. Criteria: GeneDx Variant Classification (06012015). Collection method: clinical testing. Allele origin: germline. Affected: yes.
Comment: This variant is considered likely benign or benign based on one or more of the following criteria: it is a conservative change, it occurs at a poorly conserved position in the protein, it is predicted to be benign by multiple in silico algorithms, and/or has population frequency not consistent with disease.

NM_001267550.2(TTN):c.53150G>A (p.Arg17717His)

Genes: TTN (titin; minus strand), TTN-AS1 (TTN antisense RNA 1; plus strand), LOC126806425 (BRD4-independent group 4 enhancer GRCh37_chr2:179471933-179473132; plus strand). Cytogenetic location: 2q31.2.
Variant type: single nucleotide variant.
Coding change: c.53150G>A on transcript NM_001267550.2 (MANE Select); coding-DNA position 53150, G replaced by A.
Protein change: p.Arg17717His; replaces arginine 17717 with histidine.
Molecular consequence: missense variant.
Genome position (GRCh38, 1-based): chr2:178,607,538, C>T on the plus strand (G>A on the coding strand, the complement: TTN is on the minus strand). VCF-style: chr2-178607538-C-T. GRCh37 (hg19) VCF-style: chr2-179472265-C-T.
Other names: c.48227G>A, p.Arg16076His (NM_001256850.1); c.25955G>A, p.Arg8652His (NM_003319.4); c.45446G>A, p.Arg15149His (NM_133378.4); c.26330G>A, p.Arg8777His (NM_133432.3); c.26531G>A, p.Arg8844His (NM_133437.4); short protein forms R8652H, R15149H, R8777H, R8844H, R16076H, R17717H.
Identifiers: ClinVar variation 676625 (VCV000676625.18), dbSNP rs757018821, ClinGen allele CA1993849.